The following is an entry in ClinVar:

NM_032436.4(CHAMP1):c.575_576del (p.Pro192fs)

Gene: CHAMP1 (chromosome alignment maintaining phosphoprotein 1; plus strand). Cytogenetic location: 13q34.
Variant type: Deletion.
Coding change: c.575_576del on transcript NM_032436.4 (MANE Select); coding-DNA positions 575 to 576, 2 bases deleted (CT; older notation c.575_576delCT).
Protein change: p.Pro192fs; shifts the reading frame from proline 192.
Molecular consequence: frameshift variant.
Genome position (GRCh38, 1-based): chr13:114,324,417-114,324,418, CT deleted. VCF-style (leftmost placement, unchanged base first): chr13-114324416-CCT-C. GRCh37 (hg19) VCF-style: chr13-115089891-CCT-C.
Other names: c.575_576del, p.Pro192fs (NM_001164144.3, NM_001164145.3); short protein forms P192fs.
Identifiers: ClinVar variation 1709765 (VCV001709765.2), dbSNP rs2503198180, ClinGen allele CA2580087248.
Genomic context (GRCh38, chr13:114,324,416, plus strand): 5'-CCTTCTCCTGAGCCTTCAAAACCTGCCTCTGTTTCTTCTCCTGAACCTCCAAAATCAGTC[CCT>C]GTTTGTGAGTCTCAGAAACTTGCCCCTGTTCCTTCTCCAGAACCACAGAAACCTGCCCCT-3'

ClinVar aggregate classification (germline): Likely pathogenic (1 of 4 stars; one submission).

Conditions:
Neurodevelopmental disorder with hypotonia, impaired language, and dysmorphic features. Also called: Intellectual disability, autosomal dominant 40. Identifiers: Orphanet 692193, MedGen C5676894, MONDO:0014699, OMIM 616579.

Submission:

MGZ Medical Genetics Center
Classification: Likely pathogenic for Neurodevelopmental disorder with hypotonia, impaired language, and dysmorphic features. Last evaluated: 2022-08-30. Review status: criteria provided, single submitter. Criteria: ACMG Guidelines, 2015. Collection method: clinical testing. Allele origin: germline. Affected: yes. Observed: 1 variant allele.
Comment: ACMG criteria applied: PVS1, PM2_SUP